The following is an entry in ClinVar:

NM_001267550.2(TTN):c.107923A>C (p.Asn35975His)

Genes: TTN (titin; minus strand), TTN-AS1 (TTN antisense RNA 1; plus strand). Cytogenetic location: 2q31.2.
Variant type: single nucleotide variant.
Coding change: c.107923A>C on transcript NM_001267550.2 (MANE Select); coding-DNA position 107923, A replaced by C.
Protein change: p.Asn35975His; replaces asparagine 35975 with histidine.
Molecular consequence: missense variant.
Genome position (GRCh38, 1-based): chr2:178,527,065, T>G on the plus strand (A>C on the coding strand, the complement: TTN is on the minus strand). VCF-style: chr2-178527065-T-G. GRCh37 (hg19) VCF-style: chr2-179391792-T-G.
Other names: c.103000A>C, p.Asn34334His (NM_001256850.1); c.80728A>C, p.Asn26910His (NM_003319.4); c.100219A>C, p.Asn33407His (NM_133378.4); c.81103A>C, p.Asn27035His (NM_133432.3); c.81304A>C, p.Asn27102His (NM_133437.4); short protein forms N26910H, N27035H, N27102H, N33407H, N34334H, N35975H.
Identifiers: ClinVar variation 3756548 (VCV003756548.2).

ClinVar aggregate classification (germline): Uncertain significance (1 of 4 stars; one submission).

Conditions:
Dilated cardiomyopathy 1G (CMD1G). Identifiers: Orphanet 154, MedGen C1858763, MONDO:0011400, OMIM 604145.
Autosomal recessive limb-girdle muscular dystrophy type 2J (LGMDR10). Also called: Limb-girdle muscular dystrophy, type 2J; MUSCULAR DYSTROPHY, LIMB-GIRDLE, AUTOSOMAL RECESSIVE 10. Identifiers: Orphanet 140922, MedGen C1837342, MONDO:0012127, OMIM 608807.

Submission:

Labcorp Genetics (formerly Invitae), Labcorp
Classification: Uncertain significance for Dilated cardiomyopathy 1G; Autosomal recessive limb-girdle muscular dystrophy type 2J. Last evaluated: 2024-05-26. Review status: criteria provided, single submitter. Criteria: Invitae Variant Classification Sherloc (09022015). Collection method: clinical testing. Allele origin: germline.
Comment: This sequence change replaces asparagine, which is neutral and polar, with histidine, which is basic and polar, at codon 35975 of the TTN protein (p.Asn35975His). This variant is not present in population databases (gnomAD no frequency). This variant has not been reported in the literature in individuals affected with TTN-related conditions. Experimental studies and prediction algorithms are not available or were not evaluated, and the functional significance of this variant is currently unknown. This variant is located in the M band of TTN (PMID: 25589632). Non-truncating variants in this region may be relevant for neuromuscular disorders, but have not been definitively shown to cause cardiomyopathy (PMID: 23975875). In summary, the available evidence is currently insufficient to determine the role of this variant in disease. Therefore, it has been classified as a Variant of Uncertain Significance.

Literature cited by the submitters: PubMed 25589632; PubMed 23975875.